The following is an entry in ClinVar:

ClinVar aggregate classification (germline): Likely benign. Review status: criteria provided, multiple submitters, no conflicts (2 of 4 stars). 2 submissions from 2 submitters: Likely benign (2). Last evaluated 2023-05-18.

Conditions:
Dilated cardiomyopathy 1G (CMD1G). Identifiers: Orphanet 154, MedGen C1858763, MONDO:0011400, OMIM 604145.
Autosomal recessive limb-girdle muscular dystrophy type 2J (LGMDR10). Also called: Limb-girdle muscular dystrophy, type 2J; MUSCULAR DYSTROPHY, LIMB-GIRDLE, AUTOSOMAL RECESSIVE 10. Identifiers: Orphanet 140922, MedGen C1837342, MONDO:0012127, OMIM 608807.

Allele frequency attached by ClinVar (database versions not stated): gnomAD exomes below 0.00001 and 0.00001; ExAC 0.00001; gnomAD 0.00001 and 0.00002; TOPMed 0.00001; 1000 Genomes Project 30x 0.00016; 1000 Genomes Project 0.00020.
gnomAD v4.1: 8 of 1,613,460 alleles (0.0005%); highest among the groups gnomAD compares: South Asian, 0.0022%; no homozygotes.

Submissions (2):

Labcorp Genetics (formerly Invitae), Labcorp
Classification: Likely benign for Dilated cardiomyopathy 1G; Autosomal recessive limb-girdle muscular dystrophy type 2J. Last evaluated: 2023-05-18. Review status: criteria provided, single submitter. Criteria: Invitae Variant Classification Sherloc (09022015). Collection method: clinical testing. Allele origin: germline.

CeGaT Center for Human Genetics Tuebingen
Classification: Likely benign. Last evaluated: 2023-01-01. Review status: criteria provided, single submitter. Criteria: CeGaT Center For Human Genetics Tuebingen Variant Classification Criteria Version 2. Collection method: clinical testing. Allele origin: germline. Affected: yes. Observed: 1 variant allele.
Comment: TTN: BP4, BP7

NM_001267550.2(TTN):c.75258C>T (p.Ala25086=)

Genes: TTN-AS1 (TTN antisense RNA 1; plus strand), TTN (titin; minus strand). Cytogenetic location: 2q31.2.
Variant type: single nucleotide variant.
Coding change: c.75258C>T on transcript NM_001267550.2 (MANE Select); coding-DNA position 75258, C replaced by T.
Protein change: p.Ala25086=; no amino-acid change (alanine 25086 retained).
Molecular consequence: synonymous variant.
Genome position (GRCh38, 1-based): chr2:178,570,874, G>A on the plus strand (C>T on the coding strand, the complement: TTN is on the minus strand). VCF-style: chr2-178570874-G-A. GRCh37 (hg19) VCF-style: chr2-179435601-G-A.
Other names: c.70335C>T, p.Ala23445= (NM_001256850.1); c.48063C>T, p.Ala16021= (NM_003319.4); c.67554C>T, p.Ala22518= (NM_133378.4); c.48438C>T, p.Ala16146= (NM_133432.3); c.48639C>T, p.Ala16213= (NM_133437.4).
Identifiers: ClinVar variation 743535 (VCV000743535.32), dbSNP rs577554705, ClinGen allele CA1990082.